The following is an entry in ClinVar:

NM_000257.4(MYH7):c.1637T>A (p.Met546Lys)

Gene: MYH7 (myosin heavy chain 7; minus strand). Cytogenetic location: 14q11.2.
Variant type: single nucleotide variant.
Coding change: c.1637T>A on transcript NM_000257.4 (MANE Select); coding-DNA position 1637, T replaced by A.
Protein change: p.Met546Lys; replaces methionine 546 with lysine.
Molecular consequence: missense variant.
Genome position (GRCh38, 1-based): chr14:23,427,836, A>T on the plus strand (T>A on the coding strand, the complement: MYH7 is on the minus strand). VCF-style: chr14-23427836-A-T. GRCh37 (hg19) VCF-style: chr14-23897045-A-T.
Other names: c.1637T>A, p.Met546Lys (NM_001407004.1); short protein forms M546K.
Identifiers: ClinVar variation 2997838 (VCV002997838.3), dbSNP rs2502297402, ClinGen allele CA389050146.

ClinVar aggregate classification (germline): Uncertain significance (1 of 4 stars; one submission).

Conditions:
Hypertrophic cardiomyopathy. Also called: HYPERTROPHIC MYOCARDIOPATHY. Identifiers: Orphanet 217569, MedGen C0007194, MeSH D002312, MONDO:0005045, HP:0001639.

Submission:

Labcorp Genetics (formerly Invitae), Labcorp
Classification: Uncertain significance for Hypertrophic cardiomyopathy. Last evaluated: 2022-12-16. Review status: criteria provided, single submitter. Criteria: Invitae Variant Classification Sherloc (09022015). Collection method: clinical testing. Allele origin: germline.
Comment: This sequence change replaces methionine, which is neutral and non-polar, with lysine, which is basic and polar, at codon 546 of the MYH7 protein (p.Met546Lys). This variant is not present in population databases (gnomAD no frequency). This variant has not been reported in the literature in individuals affected with MYH7-related conditions. Advanced modeling of protein sequence and biophysical properties (such as structural, functional, and spatial information, amino acid conservation, physicochemical variation, residue mobility, and thermodynamic stability) performed at Invitae indicates that this missense variant is not expected to disrupt MYH7 protein function. In summary, the available evidence is currently insufficient to determine the role of this variant in disease. Therefore, it has been classified as a Variant of Uncertain Significance.